The following is an entry in ClinVar:

ClinVar aggregate classification (germline): Uncertain significance (1 of 4 stars; one submission).

Conditions:
Hereditary cancer-predisposing syndrome. Also called: Neoplastic Syndromes, Hereditary; Tumor predisposition; Hereditary Cancer Syndrome; Hereditary neoplastic syndrome. Identifiers: Orphanet 140162, MedGen C0027672, MeSH D009386, MONDO:0015356.

Allele frequency attached by ClinVar (database versions not stated): gnomAD exomes below 0.00001; gnomAD 0.00001; 1000 Genomes Project 30x 0.00016; 1000 Genomes Project 0.00020.
gnomAD v4.1: 1 of 1,613,654 alleles (0.000062%); highest among the groups gnomAD compares: East Asian, 0.0022%; no homozygotes.

Submission:

Color Diagnostics, LLC DBA Color Health
Classification: Uncertain significance for Hereditary cancer-predisposing syndrome. Last evaluated: 2024-03-06. Review status: criteria provided, single submitter. Criteria: ACMG Guidelines, 2015. Collection method: clinical testing. Allele origin: germline.
Comment: This missense variant replaces glutamic acid with glutamine at codon 86 of the CHEK2 protein. Computational prediction suggests that this variant may have deleterious impact on protein structure and function (internally defined REVEL score threshold >= 0.7, PMID: 27666373). Splice site prediction tools suggest that this variant may not impact RNA splicing. To our knowledge, functional studies have not been performed for this variant. This variant has not been reported in individuals affected with hereditary cancer in the literature. This variant has been identified in 1/251444 chromosomes in the general population by the Genome Aggregation Database (gnomAD). The available evidence is insufficient to determine the role of this variant in disease conclusively. Therefore, this variant is classified as a Variant of Uncertain Significance.

NM_007194.4(CHEK2):c.256G>C (p.Glu86Gln)

Gene: CHEK2 (checkpoint kinase 2; minus strand). Cytogenetic location: 22q12.1.
Variant type: single nucleotide variant.
Coding change: c.256G>C on transcript NM_007194.4 (MANE Select); coding-DNA position 256, G replaced by C.
Protein change: p.Glu86Gln; replaces glutamic acid 86 with glutamine.
Molecular consequence: missense variant.
Genome position (GRCh38, 1-based): chr22:28,734,466, C>G on the plus strand (G>C on the coding strand, the complement: CHEK2 is on the minus strand). VCF-style: chr22-28734466-C-G. GRCh37 (hg19) VCF-style: chr22-29130454-C-G.
Other names: c.256G>C, p.Glu86Gln (NM_001005735.3, NM_001349956.3, NM_145862.3); c.-522G>C (NM_001257387.3); short protein forms E86Q.
Identifiers: ClinVar variation 918317 (VCV000918317.3), dbSNP rs551930027, ClinGen allele CA322998660.
Genomic context (GRCh38, chr22:28,734,466, plus strand): 5'-GATTGGCAAATCCATCCTGAAGGGCCCATAATCGAGCCCAGGGGGCAGGGGTAGGCTCCT[C>G]AGGTTCTTGGTCCTCAGGTTCTTGGTCCTCAGGAATAGAATAGAGTTCCTGAGTGGACAC-3'
Protein context (NP_009125.1, residues 76-96): EDQEPEDQEP[Glu86Gln]EPTPAPWARL